The following is an entry in ClinVar:

ClinVar aggregate classification (germline): Uncertain significance (1 of 4 stars; one submission).

Conditions:
Glycogen storage disease due to muscle and heart glycogen synthase deficiency. Also called: GSD 0b; MUSCLE GLYCOGEN SYNTHASE DEFICIENCY. Identifiers: Orphanet 137625, MedGen C1969054, MONDO:0012693, OMIM 611556.

Allele frequency attached by ClinVar (database versions not stated): gnomAD exomes below 0.00001 and 0.00001; ExAC 0.00001; gnomAD 0.00001; TOPMed 0.00002.
gnomAD v4.1: 4 of 1,613,966 alleles (0.00025%); highest among the groups gnomAD compares: East Asian, 0.0022%; no homozygotes.

Submission:

Labcorp Genetics (formerly Invitae), Labcorp
Classification: Uncertain significance for Glycogen storage disease due to muscle and heart glycogen synthase deficiency. Last evaluated: 2023-12-11. Review status: criteria provided, single submitter. Criteria: Invitae Variant Classification Sherloc (09022015). Collection method: clinical testing. Allele origin: germline.
Comment: This sequence change replaces asparagine, which is neutral and polar, with serine, which is neutral and polar, at codon 228 of the GYS1 protein (p.Asn228Ser). This variant is present in population databases (rs761764430, gnomAD 0.003%). This variant has not been reported in the literature in individuals affected with GYS1-related conditions. ClinVar contains an entry for this variant (Variation ID: 1007054). Advanced modeling of protein sequence and biophysical properties (such as structural, functional, and spatial information, amino acid conservation, physicochemical variation, residue mobility, and thermodynamic stability) performed at Invitae indicates that this missense variant is not expected to disrupt GYS1 protein function with a negative predictive value of 80%. In summary, the available evidence is currently insufficient to determine the role of this variant in disease. Therefore, it has been classified as a Variant of Uncertain Significance.

NM_002103.5(GYS1):c.683A>G (p.Asn228Ser)

Gene: GYS1 (glycogen synthase 1; minus strand). Cytogenetic location: 19q13.33.
Variant type: single nucleotide variant.
Coding change: c.683A>G on transcript NM_002103.5 (MANE Select); coding-DNA position 683, A replaced by G.
Protein change: p.Asn228Ser; replaces asparagine 228 with serine.
Molecular consequence: missense variant. On other transcripts: non-coding transcript variant (1).
Genome position (GRCh38, 1-based): chr19:48,985,601, T>C on the plus strand (A>G on the coding strand, the complement: GYS1 is on the minus strand). VCF-style: chr19-48985601-T-C. GRCh37 (hg19) VCF-style: chr19-49488858-T-C.
Other names: c.491A>G, p.Asn164Ser (NM_001161587.2); short protein forms N164S, N228S.
Identifiers: ClinVar variation 1007054 (VCV001007054.8), dbSNP rs761764430, ClinGen allele CA9563246.